The following is an entry in ClinVar:

NM_173660.5(DOK7):c.1477C>T (p.Pro493Ser)

Gene: DOK7 (docking protein 7; plus strand). Cytogenetic location: 4p16.3.
Variant type: single nucleotide variant.
Coding change: c.1477C>T on transcript NM_173660.5 (MANE Select); coding-DNA position 1477, C replaced by T.
Protein change: p.Pro493Ser; replaces proline 493 with serine.
Molecular consequence: missense variant. On other transcripts: 3 prime UTR variant (1).
Genome position (GRCh38, 1-based): chr4:3,493,463, C>T. VCF-style: chr4-3493463-C-T. GRCh37 (hg19) VCF-style: chr4-3495190-C-T.
Other names: c.*698C>T (NM_001164673.2); c.547C>T, p.Pro183Ser (NM_001256896.2); c.1477C>T, p.Pro493Ser (NM_001301071.2); c.1045C>T, p.Pro349Ser (NM_001363811.2); short protein forms P183S, P349S, P493S.
Identifiers: ClinVar variation 3761980 (VCV003761980.2).

ClinVar aggregate classification (germline): Uncertain significance (1 of 4 stars; one submission).

Conditions:
Fetal akinesia deformation sequence 1 (FADS1). Also called: Pena-Shokeir syndrome type I; Fetal akinesia sequence. Identifiers: Orphanet 994, MedGen C1276035, MONDO:0100101, OMIM 208150, HP:0001989.
Congenital myasthenic syndrome 10. Also called: Myasthenia, limb-girdle, familial. Identifiers: Orphanet 590, MedGen C1850792, MONDO:0009690, OMIM 254300.

gnomAD v4.1: 14 of 1,610,702 alleles (0.00087%); highest among the groups gnomAD compares: South Asian, 0.0099%; no homozygotes.

Submission:

Labcorp Genetics (formerly Invitae), Labcorp
Classification: Uncertain significance for Congenital myasthenic syndrome 10; Fetal akinesia deformation sequence 1. Last evaluated: 2025-08-03. Review status: criteria provided, single submitter. Criteria: Invitae Variant Classification Sherloc (09022015). Collection method: clinical testing. Allele origin: germline.
Comment: This sequence change replaces proline, which is neutral and non-polar, with serine, which is neutral and polar, at codon 493 of the DOK7 protein (p.Pro493Ser). This variant is present in population databases (rs748438470, gnomAD 0.01%). This variant has not been reported in the literature in individuals affected with DOK7-related conditions. ClinVar contains an entry for this variant (Variation ID: 3761980). Invitae Evidence Modeling of protein sequence and biophysical properties (such as structural, functional, and spatial information, amino acid conservation, physicochemical variation, residue mobility, and thermodynamic stability) indicates that this missense variant is not expected to disrupt DOK7 protein function with a negative predictive value of 80%. In summary, the available evidence is currently insufficient to determine the role of this variant in disease. Therefore, it has been classified as a Variant of Uncertain Significance.